The following is an entry in ClinVar:

ClinVar aggregate classification (germline): Pathogenic (1 of 4 stars; one submission).

Submission:

Labcorp Genetics (formerly Invitae), Labcorp
Classification: Pathogenic. Last evaluated: 2024-03-17. Review status: criteria provided, single submitter. Criteria: Invitae Variant Classification Sherloc (09022015). Collection method: clinical testing. Allele origin: germline.
Comment: This sequence change creates a premature translational stop signal (p.Gln1326*) in the LAMC3 gene. It is expected to result in an absent or disrupted protein product. Loss-of-function variants in LAMC3 are known to be pathogenic (PMID: 21572413, 26802095). This variant is not present in population databases (gnomAD no frequency). This variant has not been reported in the literature in individuals affected with LAMC3-related conditions. Algorithms developed to predict the effect of sequence changes on RNA splicing suggest that this variant may create or strengthen a splice site. For these reasons, this variant has been classified as Pathogenic.

Literature cited by the submitters: PubMed 21572413; PubMed 26802095.

NM_006059.4(LAMC3):c.3976C>T (p.Gln1326Ter)

Gene: LAMC3 (laminin subunit gamma 3; plus strand). Cytogenetic location: 9q34.12.
Variant type: single nucleotide variant.
Coding change: c.3976C>T on transcript NM_006059.4 (MANE Select); coding-DNA position 3976, C replaced by T.
Protein change: p.Gln1326Ter; replaces glutamine 1326 with a stop codon.
Molecular consequence: nonsense.
Genome position (GRCh38, 1-based): chr9:131,082,107, C>T. VCF-style: chr9-131082107-C-T. GRCh37 (hg19) VCF-style: chr9-133957494-C-T.
Other names: short protein forms Q1326*.
Identifiers: ClinVar variation 2806760 (VCV002806760.3), dbSNP rs2538321424, ClinGen allele CA375263645.